The following is an entry in ClinVar:

ClinVar aggregate classification (germline): Uncertain significance (1 of 4 stars; one submission).

Submission:

GeneDx
Classification: Uncertain significance. Last evaluated: 2026-01-24. Review status: criteria provided, single submitter. Criteria: GeneDx Variant Classification Process June 2021. Collection method: clinical testing. Allele origin: germline.
Comment: Not observed at significant frequency in large population cohorts (gnomAD); In silico analysis supports that this missense variant has a deleterious effect on protein structure/function; Has not been previously published as pathogenic or benign to our knowledge

NM_000193.4(SHH):c.607G>A (p.Ala203Thr)

Gene: SHH (sonic hedgehog signaling molecule; minus strand). Cytogenetic location: 7q36.3.
Variant type: single nucleotide variant.
Coding change: c.607G>A on transcript NM_000193.4 (MANE Select); coding-DNA position 607, G replaced by A.
Protein change: p.Ala203Thr; replaces alanine 203 with threonine.
Molecular consequence: missense variant. On other transcripts: intron variant (1).
Genome position (GRCh38, 1-based): chr7:155,803,682, C>T on the plus strand (G>A on the coding strand, the complement: SHH is on the minus strand). VCF-style: chr7-155803682-C-T. GRCh37 (hg19) VCF-style: chr7-155596376-C-T.
Other names: c.301+2614G>A (NM_001310462.2); short protein forms A203T.
Identifiers: ClinVar variation 4975610 (VCV004975610.1).
Genomic context (GRCh38, chr7:155,803,682, plus strand): 5'-GGTCCCCGGGGCTCAGGTCCTTCACCAGCTTGGTGCCGCCCTGCTCCAGGTGCACCGTGG[C>T]CGAGCCCGGGAAGCAGCCTCCCGATTTGGCCGCCACCGAGTTCTCTGCGGGTGAGGAGAA-3'
Protein context (NP_000184.1, residues 193-213): AKSGGCFPGS[Ala203Thr]TVHLEQGGTK